The following is an entry in ClinVar:

NM_130837.3(OPA1):c.2778+11C>G

Gene: OPA1 (OPA1 mitochondrial dynamin like GTPase; plus strand). Cytogenetic location: 3q29.
Variant type: single nucleotide variant.
Coding change: c.2778+11C>G on transcript NM_130837.3 (MANE Select); 11 bases into the intron after coding-DNA position 2778, C replaced by G.
Molecular consequence: intron variant.
Genome position (GRCh38, 1-based): chr3:193,665,007, C>G. VCF-style: chr3-193665007-C-G. GRCh37 (hg19) VCF-style: chr3-193382796-C-G.
Other names: c.2241+11C>G (NM_001354664.2); c.2244+11C>G (NM_001354663.2); c.2667+11C>G (NM_130834.3); c.2724+11C>G (NM_130836.3); c.2613+11C>G (NM_015560.3); c.2670+11C>G (NM_130835.3); c.2559+11C>G (NM_130832.3); c.2616+11C>G (NM_130833.3); and 1 more.
Identifiers: ClinVar variation 95722 (VCV000095722.18), dbSNP rs111688935, ClinGen allele CA285717.

ClinVar aggregate classification (germline): Benign. Review status: criteria provided, multiple submitters, no conflicts (2 of 4 stars). 6 submissions from 6 submitters: Benign (6). Last evaluated 2026-02-03.

Conditions:
Autosomal dominant optic atrophy classic form (OPA1). Also called: OPTIC ATROPHY, JUVENILE; KJER-TYPE OPTIC ATROPHY; Optic Atrophy Type 1. Identifiers: Orphanet 98673, MedGen C0338508, MONDO:0008134, OMIM 165500.

Allele frequency attached by ClinVar (database versions not stated): 1000 Genomes Project 30x 0.03888; ESP Exome Variant Server 0.04096; gnomAD exomes 0.00895 and 0.00340; ExAC 0.01142; gnomAD 0.03477 and 0.03759; 1000 Genomes Project 0.03754; TOPMed 0.03860.
gnomAD v4.1: 9,742 of 1,395,254 alleles (0.7%); highest among the groups gnomAD compares: African/African-American, 12%; 591 homozygotes.

Submissions (6):

Labcorp Genetics (formerly Invitae), Labcorp
Classification: Benign. Last evaluated: 2026-02-03. Review status: criteria provided, single submitter. Criteria: Invitae Variant Classification Sherloc (09022015). Collection method: clinical testing. Allele origin: germline.

Illumina Laboratory Services, Illumina
Classification: Benign for Autosomal dominant optic atrophy classic form. Last evaluated: 2018-01-13. Review status: criteria provided, single submitter. Criteria: ICSL Variant Classification Criteria 13 December 2019. Collection method: clinical testing. Allele origin: germline.
Comment: This variant was observed in the ICSL laboratory as part of a predisposition screen in an ostensibly healthy population. It had not been previously curated by ICSL or reported in the Human Gene Mutation Database (HGMD: prior to June 1st, 2018), and was therefore a candidate for classification through an automated scoring system. Utilizing variant allele frequency, disease prevalence and penetrance estimates, and inheritance mode, an automated score was calculated to assess if this variant is too frequent to cause the disease. Based on the score and internal cut-off values, a variant classified as benign is not then subjected to further curation. The score for this variant resulted in a classification of benign for this disease.

Eurofins Ntd Llc (ga)
Classification: Benign. Last evaluated: 2012-07-18. Review status: criteria provided, single submitter. Criteria: EGL Classification Definitions 2015. Collection method: clinical testing. Allele origin: germline. Observed: 21 variant alleles, 21 heterozygotes.

GeneDx
Classification: Benign. Last evaluated: 2012-04-09. Review status: criteria provided, single submitter. Criteria: GeneDx Variant Classification (06012015). Collection method: clinical testing. Allele origin: germline. Affected: yes.
Comment: This variant is considered likely benign or benign based on one or more of the following criteria: it is a conservative change, it occurs at a poorly conserved position in the protein, it is predicted to be benign by multiple in silico algorithms, and/or has population frequency not consistent with disease.

Breakthrough Genomics
Classification: Benign. Review status: criteria provided, single submitter. Criteria: ACMG Guidelines, 2015. Collection method: not provided. Allele origin: germline. Inheritance: Autosomal recessive inheritance. Affected: yes.

PreventionGenetics, part of Exact Sciences
Classification: Benign. Review status: criteria provided, single submitter. Criteria: ACMG Guidelines, 2015. Collection method: clinical testing. Allele origin: germline.